The following is an entry in ClinVar:

NM_000059.4(BRCA2):c.8990A>G (p.Tyr2997Cys)

Gene: BRCA2 (BRCA2 DNA repair associated; plus strand). Cytogenetic location: 13q13.1.
Variant type: single nucleotide variant.
Coding change: c.8990A>G on transcript NM_000059.4 (MANE Select); coding-DNA position 8990, A replaced by G.
Protein change: p.Tyr2997Cys; replaces tyrosine 2997 with cysteine.
Molecular consequence: missense variant.
Genome position (GRCh38, 1-based): chr13:32,379,786, A>G. VCF-style: chr13-32379786-A-G. GRCh37 (hg19) VCF-style: chr13-32953923-A-G.
Other names: short protein forms Y2997C.
Identifiers: ClinVar variation 409567 (VCV000409567.18), dbSNP rs770449225, ClinGen allele CA6941328.

ClinVar aggregate classification (germline): Uncertain significance. Review status: criteria provided, multiple submitters, no conflicts (2 of 4 stars). 5 submissions from 5 submitters: Uncertain significance (5). Last evaluated 2025-10-20.

Conditions:
Hereditary breast ovarian cancer syndrome. Also called: Hereditary breast and ovarian cancer; Hereditary breast and/or ovarian cancer syndrome; BRCA1- and BRCA2-Associated Hereditary Breast and Ovarian Cancer; Hereditary breast and ovarian cancer syndrome; Hereditary breast and ovarian cancer syndrome (HBOC); Breast and ovarian cancer. Identifiers: Orphanet 145, MedGen C0677776, MeSH D061325, MONDO:0003582. Disease mechanism: loss of function.
Hereditary cancer-predisposing syndrome. Also called: Tumor predisposition; Hereditary Cancer Syndrome; Hereditary neoplastic syndrome; Neoplastic Syndromes, Hereditary. Identifiers: Orphanet 140162, MedGen C0027672, MeSH D009386, MONDO:0015356.

Allele frequency attached by ClinVar (database versions not stated): gnomAD exomes below 0.00001; ExAC 0.00001.

Submissions (5):

Color Diagnostics, LLC DBA Color Health
Classification: Uncertain significance for Hereditary cancer-predisposing syndrome. Last evaluated: 2025-10-20. Review status: criteria provided, single submitter. Criteria: ACMG Guidelines, 2015. Collection method: clinical testing. Allele origin: germline.
Comment: This missense variant replaces tyrosine with cysteine at codon 2997 of the BRCA2 protein. Computational prediction suggests that this variant may not impact protein structure and function. Functional studies have reported discordant findings for this variant from functional in a haploid cell proliferation assay and nonfunctional in sensitivity assays to cisplatin and PARP inhibitor (PMID: 39779848, 39779857). This variant has not been reported in individuals affected with BRCA2-related disorders in the literature. This variant has not been identified in the general population by the Genome Aggregation Database (gnomAD). The available evidence is insufficient to determine the role of this variant in disease conclusively. Therefore, this variant is classified as a Variant of Uncertain Significance.

Ambry Genetics
Classification: Uncertain significance for Hereditary cancer-predisposing syndrome. Last evaluated: 2025-06-25. Review status: criteria provided, single submitter. Criteria: Ambry Variant Classification Scheme 2023. Collection method: clinical testing. Allele origin: germline.
Comment: The p.Y2997C variant (also known as c.8990A>G), located in coding exon 22 of the BRCA2 gene, results from an A to G substitution at nucleotide position 8990. The tyrosine at codon 2997 is replaced by cysteine, an amino acid with highly dissimilar properties. The results from two saturation genome editing-based studies, including a haploid cell-survival assay and a humanized mouse embryonic stem cell line assay of drug response and survival, are discordant for this nucleotide substitution (Huang H et al. Nature. 2025 Feb;638(8050):528-537; Sahu S et al. Nature. 2025 Feb;638(8050):538-545).This amino acid position is not well conserved in available vertebrate species. In addition, the in silico prediction for this alteration is inconclusive. Based on the available evidence, the clinical significance of this variant remains unclear.

Labcorp Genetics (formerly Invitae), Labcorp
Classification: Uncertain significance for Hereditary breast ovarian cancer syndrome. Last evaluated: 2023-05-25. Review status: criteria provided, single submitter. Criteria: Invitae Variant Classification Sherloc (09022015). Collection method: clinical testing. Allele origin: germline.
Comment: This variant is present in population databases (rs770449225, gnomAD 0.007%). In summary, the available evidence is currently insufficient to determine the role of this variant in disease. Therefore, it has been classified as a Variant of Uncertain Significance. Advanced modeling of protein sequence and biophysical properties (such as structural, functional, and spatial information, amino acid conservation, physicochemical variation, residue mobility, and thermodynamic stability) performed at Invitae indicates that this missense variant is not expected to disrupt BRCA2 protein function. ClinVar contains an entry for this variant (Variation ID: 409567). This missense change has been observed in individual(s) with Lynch syndrome (PMID: 25980754). This sequence change replaces tyrosine, which is neutral and polar, with cysteine, which is neutral and slightly polar, at codon 2997 of the BRCA2 protein (p.Tyr2997Cys).

GeneDx
Classification: Uncertain significance. Last evaluated: 2023-01-20. Review status: criteria provided, single submitter. Criteria: GeneDx Variant Classification Process June 2021. Collection method: clinical testing. Allele origin: germline. Affected: yes.
Comment: In silico analysis supports that this missense variant does not alter protein structure/function; Not observed at significant frequency in large population cohorts (gnomAD); Also known as 9218A>G; This variant is associated with the following publications: (PMID: 32377563, 31911673, 29884841, 29684080, 25980754, 12228710)

Quest Diagnostics Nichols Institute San Juan Capistrano
Classification: Uncertain significance. Last evaluated: 2018-02-09. Review status: criteria provided, single submitter. Criteria: Quest Diagnostics criteria. Collection method: clinical testing. Allele origin: germline.

Literature cited by the submitters: PubMed 39779848 (cited by Color Diagnostics, LLC DBA Color Health and Ambry Genetics); PubMed 39779857 (cited by Color Diagnostics, LLC DBA Color Health and Ambry Genetics); PubMed 25980754 (cited by Labcorp Genetics (formerly Invitae), Labcorp).